The following is an entry in ClinVar:

NM_007347.5(AP4E1):c.211A>G (p.Thr71Ala)

Gene: AP4E1 (adaptor related protein complex 4 subunit epsilon 1; plus strand). Cytogenetic location: 15q21.2.
Variant type: single nucleotide variant.
Coding change: c.211A>G on transcript NM_007347.5 (MANE Select); coding-DNA position 211, A replaced by G.
Protein change: p.Thr71Ala; replaces threonine 71 with alanine.
Molecular consequence: missense variant. On other transcripts: 5 prime UTR variant (1).
Genome position (GRCh38, 1-based): chr15:50,912,138, A>G. VCF-style: chr15-50912138-A-G. GRCh37 (hg19) VCF-style: chr15-51204335-A-G.
Other names: c.-38A>G (NM_001252127.2); short protein forms T71A.
Identifiers: ClinVar variation 1501024 (VCV001501024.5), dbSNP rs1490232988, ClinGen allele CA392411783.

ClinVar aggregate classification (germline): Uncertain significance (1 of 4 stars; one submission).

Conditions:
Spastic paraplegia. Identifiers: MedGen C0037772, HP:0001258.

Allele frequency attached by ClinVar (database versions not stated): gnomAD exomes below 0.00001; gnomAD 0.00002; TOPMed 0.00002.
gnomAD v4.1: 7 of 1,613,880 alleles (0.00043%); highest among the groups gnomAD compares: Non-Finnish European, 0.00059%; no homozygotes.

Submission:

Labcorp Genetics (formerly Invitae), Labcorp
Classification: Uncertain significance for Spastic paraplegia. Last evaluated: 2021-08-28. Review status: criteria provided, single submitter. Criteria: Invitae Variant Classification Sherloc (09022015). Collection method: clinical testing. Allele origin: germline.
Comment: This sequence change replaces threonine with alanine at codon 71 of the AP4E1 protein (p.Thr71Ala). The threonine residue is moderately conserved and there is a small physicochemical difference between threonine and alanine. This variant is not present in population databases (ExAC no frequency). This variant has not been reported in the literature in individuals affected with AP4E1-related conditions. Algorithms developed to predict the effect of missense changes on protein structure and function output the following: SIFT: "Tolerated"; PolyPhen-2: "Benign"; Align-GVGD: "Class C0". The alanine amino acid residue is found in multiple mammalian species, which suggests that this missense change does not adversely affect protein function. In summary, the available evidence is currently insufficient to determine the role of this variant in disease. Therefore, it has been classified as a Variant of Uncertain Significance.